The following is an entry in ClinVar:

NM_006393.3(NEBL):c.2513T>C (p.Ile838Thr)

Gene: NEBL (nebulette; minus strand). Cytogenetic location: 10p12.31.
Variant type: single nucleotide variant.
Coding change: c.2513T>C on transcript NM_006393.3 (MANE Select); coding-DNA position 2513, T replaced by C.
Protein change: p.Ile838Thr; replaces isoleucine 838 with threonine.
Molecular consequence: missense variant.
Genome position (GRCh38, 1-based): chr10:20,812,774, A>G on the plus strand (T>C on the coding strand, the complement: NEBL is on the minus strand). VCF-style: chr10-20812774-A-G. GRCh37 (hg19) VCF-style: chr10-21101703-A-G.
Other names: c.524T>C, p.Ile175Thr (NM_001173484.2, NM_001377322.1, NM_213569.2); c.476T>C, p.Ile159Thr (NM_001377323.1); c.467T>C, p.Ile156Thr (NM_001377324.1); c.458T>C, p.Ile153Thr (NM_001377325.1); c.416T>C, p.Ile139Thr (NM_001377326.1, NM_001377327.1, NM_001377328.1); short protein forms I139T, I159T, I153T, I156T, I175T, I838T.
Identifiers: ClinVar variation 944444 (VCV000944444.10), dbSNP rs749452317, ClinGen allele CA5432472.
Genomic context (GRCh38, chr10:20,812,774, plus strand): 5'-AGCAAGCATGATCTTTTCGACCACACACACCGGCCGACAAACGCCGTCAGCTTACCAACA[A>G]TGATTCCAGGTCTCCTGTCCATCTCCACGATGTGAGGGTGGACCCCTTTATAGGCAGCAT-3'
Protein context (NP_006384.1, residues 828-848): IVEMDRRPGI[Ile838Thr]VDLKVWRTDP

ClinVar aggregate classification (germline): Uncertain significance (1 of 4 stars; one submission).

Conditions:
Primary dilated cardiomyopathy (DCM). Also called: Dilated Cardiomyopathy. Identifiers: Orphanet 217604, MedGen C0007193, MeSH D002311, MONDO:0005021, HP:0001644. Inheritance: Various modes of inheritance.

Allele frequency attached by ClinVar (database versions not stated): gnomAD exomes below 0.00001; ExAC 0.00001; gnomAD 0.00001.
gnomAD v4.1: 4 of 1,613,624 alleles (0.00025%); highest among the groups gnomAD compares: Admixed American, 0.0033%; no homozygotes.

Submission:

Labcorp Genetics (formerly Invitae), Labcorp
Classification: Uncertain significance for Primary dilated cardiomyopathy. Last evaluated: 2024-10-27. Review status: criteria provided, single submitter. Criteria: Invitae Variant Classification Sherloc (09022015). Collection method: clinical testing. Allele origin: germline.
Comment: This sequence change replaces isoleucine, which is neutral and non-polar, with threonine, which is neutral and polar, at codon 838 of the NEBL protein (p.Ile838Thr). This variant is present in population databases (rs749452317, gnomAD 0.003%). This variant has not been reported in the literature in individuals affected with NEBL-related conditions. ClinVar contains an entry for this variant (Variation ID: 944444). An algorithm developed to predict the effect of missense changes on protein structure and function (PolyPhen-2) suggests that this variant is likely to be disruptive. In summary, the available evidence is currently insufficient to determine the role of this variant in disease. Therefore, it has been classified as a Variant of Uncertain Significance.